The following is an entry in ClinVar:

ClinVar aggregate classification (germline): Uncertain significance (1 of 4 stars; one submission).

Submission:

GeneDx
Classification: Uncertain significance. Last evaluated: 2024-08-09. Review status: criteria provided, single submitter. Criteria: GeneDx Variant Classification Process June 2021. Collection method: clinical testing. Allele origin: germline. Affected: yes.
Comment: Not observed at significant frequency in large population cohorts (gnomAD); Has not been previously published as pathogenic or benign to our knowledge; In silico analysis does not support a benign or deleterious effect of this variant on protein structure/function

NM_030948.6(PHACTR1):c.247_248delinsAA (p.Ala83Lys)

Gene: PHACTR1 (phosphatase and actin regulator 1; plus strand). Cytogenetic location: 6p24.1.
Variant type: Indel.
Coding change: c.247_248delinsAA on transcript NM_030948.6 (MANE Select); coding-DNA positions 247 to 248, GC replaced by AA.
Protein change: p.Ala83Lys; replaces alanine 83 with lysine.
Molecular consequence: missense variant.
Genome position (GRCh38, 1-based): chr6:12,749,787-12,749,788, GC replaced by AA. VCF-style: chr6-12749787-GC-AA. GRCh37 (hg19) VCF-style: chr6-12750019-GC-AA.
Other names: c.247_248delinsAA, p.Ala83Lys (NM_001242648.4, NM_001322308.3, NM_001322309.3 and 4 more transcripts); short protein forms A83K.
Identifiers: ClinVar variation 3731073 (VCV003731073.1).